The following is an entry in ClinVar:

NM_153700.2(STRC):c.877G>A (p.Gly293Ser)

Gene: STRC (stereocilin; minus strand). Cytogenetic location: 15q15.3.
Variant type: single nucleotide variant.
Coding change: c.877G>A on transcript NM_153700.2 (MANE Select); coding-DNA position 877, G replaced by A.
Protein change: p.Gly293Ser; replaces glycine 293 with serine.
Molecular consequence: missense variant.
Genome position (GRCh38, 1-based): chr15:43,616,689, C>T on the plus strand (G>A on the coding strand, the complement: STRC is on the minus strand). VCF-style: chr15-43616689-C-T. GRCh37 (hg19) VCF-style: chr15-43908887-C-T.
Other names: short protein forms G293S.
Identifiers: ClinVar variation 229280 (VCV000229280.5), dbSNP rs876658010, ClinGen allele CA10576986.

ClinVar aggregate classification (germline): Uncertain significance (1 of 4 stars; one submission).

Submission:

Laboratory for Molecular Medicine, Mass General Brigham Personalized Medicine
Classification: Uncertain significance. Last evaluated: 2015-08-11. Review status: criteria provided, single submitter. Criteria: LMM Criteria. Collection method: clinical testing. Allele origin: germline. Observed: 1 variant allele.
Comment: The p.Gly293Ser variant in STRC has not been previously reported in individuals with hearing loss. Data from large population studies is insufficient to assess the frequency of this variant. Computational prediction tools and conservation a nalyses do not provide strong support for or against an impact to the protein. I n summary, the clinical significance of the p.Gly293Ser variant is uncertain.